The following is an entry in ClinVar:

NM_201589.4(MAFA):c.393C>T (p.Leu131=)

Gene: MAFA (MAF bZIP transcription factor A; minus strand). Cytogenetic location: 8q24.3.
Variant type: single nucleotide variant.
Coding change: c.393C>T on transcript NM_201589.4 (MANE Select); coding-DNA position 393, C replaced by T.
Protein change: p.Leu131=; no amino-acid change (leucine 131 retained).
Molecular consequence: synonymous variant.
Genome position (GRCh38, 1-based): chr8:143,430,014, G>A on the plus strand (C>T on the coding strand, the complement: MAFA is on the minus strand). VCF-style: chr8-143430014-G-A. GRCh37 (hg19) VCF-style: chr8-144512184-G-A.
Identifiers: ClinVar variation 3056164 (VCV003056164.2), dbSNP rs75183115, ClinGen allele CA4909957.

ClinVar aggregate classification (germline): Benign (0 of 4 stars; one submission).

Conditions:
MAFA-related disorder. Also called: MAFA-related condition.

Allele frequency attached by ClinVar (database versions not stated): ExAC 0.02163; ESP Exome Variant Server 0.02537; gnomAD 0.02737; TOPMed 0.03014; 1000 Genomes Project 0.03115; 1000 Genomes Project 30x 0.03467.
gnomAD v4.1: 7,227 of 1,373,712 alleles (0.53%); highest among the groups gnomAD compares: African/African-American, 9.2%; 285 homozygotes.

Submission:

PreventionGenetics, part of Exact Sciences
Classification: Benign for MAFA-related condition. Last evaluated: 2019-06-06. Review status: no assertion criteria provided. Collection method: clinical testing. Allele origin: germline.
Comment: This variant is classified as benign based on ACMG/AMP sequence variant interpretation guidelines (Richards et al. 2015 PMID: 25741868, with internal and published modifications).